The following is an entry in ClinVar:

NM_001100913.3(PACS2):c.2686A>G (p.Ile896Val)

Gene: PACS2 (phosphofurin acidic cluster sorting protein 2; plus strand). Cytogenetic location: 14q32.33.
Variant type: single nucleotide variant.
Coding change: c.2686A>G on transcript NM_001100913.3 (MANE Select); coding-DNA position 2686, A replaced by G.
Protein change: p.Ile896Val; replaces isoleucine 896 with valine.
Molecular consequence: missense variant.
Genome position (GRCh38, 1-based): chr14:105,394,643, A>G. VCF-style: chr14-105394643-A-G. GRCh37 (hg19) VCF-style: chr14-105860980-A-G.
Other names: p.Ile896Val; c.2686A>G (NM_001100913.2); c.2416A>G, p.Ile806Val (NM_001243127.3); c.2641A>G, p.Ile881Val (NM_015197.4); short protein forms I806V, I881V, I896V.
Identifiers: ClinVar variation 1633946 (VCV001633946.41), dbSNP rs138788243, ClinGen allele CA7389373.

ClinVar aggregate classification (germline): Benign/Likely benign. Review status: criteria provided, multiple submitters, no conflicts (2 of 4 stars). 5 submissions from 5 submitters: Benign (2); Likely benign (2). 1 of the submissions does not count toward it. Last evaluated 2026-06-01.

Conditions:
PACS2-related disorder. Also called: PACS2-related condition.

Allele frequency attached by ClinVar (database versions not stated): gnomAD 0.00095 and 0.00113; ESP Exome Variant Server 0.00108; TOPMed 0.00114; ExAC 0.00156; gnomAD exomes 0.00156 and 0.00184; 1000 Genomes Project 0.00260; 1000 Genomes Project 30x 0.00265.

Submissions (5):

CeGaT Center for Human Genetics Tuebingen
Classification: Benign. Last evaluated: 2026-06-01. Review status: criteria provided, single submitter. Criteria: CeGaT Center For Human Genetics Tuebingen Variant Classification Criteria Version 2. Collection method: clinical testing. Allele origin: germline. Affected: yes. Observed: 7 variant alleles.
Comment: PACS2: BP4, BS1, BS2

Labcorp Genetics (formerly Invitae), Labcorp
Classification: Benign. Last evaluated: 2026-01-28. Review status: criteria provided, single submitter. Criteria: Invitae Variant Classification Sherloc (09022015). Collection method: clinical testing. Allele origin: germline.

Mayo Clinic Laboratories, Mayo Clinic
Classification: Likely benign. Last evaluated: 2025-05-08. Review status: criteria provided, single submitter. Criteria: ACMG Guidelines, 2015. Collection method: clinical testing. Allele origin: germline. Observed: 1 variant allele.
Comment: BS2, BP4_moderate

Blueprint Genetics
Classification: Likely benign. Last evaluated: 2024-11-26. Review status: criteria provided, single submitter. Criteria: ACMG Guidelines, 2015. Collection method: clinical testing. Allele origin: germline.

PreventionGenetics, part of Exact Sciences
Classification: Benign for PACS2-related condition. Last evaluated: 2019-07-08. Review status: no assertion criteria provided. Collection method: clinical testing. Allele origin: germline. Not counted in ClinVar's aggregate classification.
Comment: This variant is classified as benign based on ACMG/AMP sequence variant interpretation guidelines (Richards et al. 2015 PMID: 25741868, with internal and published modifications).